The following is an entry in ClinVar:

ClinVar aggregate classification (germline): Pathogenic (0 of 4 stars; one submission).

Conditions:
Secondary microcephaly. Also called: Postnatal microcephaly. Identifiers: MedGen C0431352, HP:0005484.
Expressive language delay. Identifiers: MedGen C0454641, HP:0002474.
Global developmental delay (DD). Also called: Cognitive delay. Identifiers: MedGen C0557874, HP:0001263. Disease mechanism: loss of function.

Submission:

Baylor Genetics
Classification: Pathogenic for Secondary microcephaly; Expressive language delay; Global developmental delay. Last evaluated: 2017-07-03. Review status: no assertion criteria provided. Collection method: clinical testing. Allele origin: de novo. Inheritance: Autosomal dominant inheritance. Affected: yes. Study: BPTF_variants.

Literature cited by the submitters: PubMed 28942966.

Single allele

Genes: BPTF (bromodomain PHD finger transcription factor; plus strand), NOL11 (nucleolar protein 11; plus strand). Cytogenetic location: 17q24.2.
Variant type: Deletion.
Identifiers: ClinVar variation 431067 (VCV000431067.2).